The following is an entry in ClinVar:

NM_001184.4(ATR):c.6341A>G (p.Gln2114Arg)

Gene: ATR (ATR checkpoint kinase; minus strand). Cytogenetic location: 3q23.
Variant type: single nucleotide variant.
Coding change: c.6341A>G on transcript NM_001184.4 (MANE Select); coding-DNA position 6341, A replaced by G.
Protein change: p.Gln2114Arg; replaces glutamine 2114 with arginine.
Molecular consequence: missense variant.
Genome position (GRCh38, 1-based): chr3:142,469,548, T>C on the plus strand (A>G on the coding strand, the complement: ATR is on the minus strand). VCF-style: chr3-142469548-T-C. GRCh37 (hg19) VCF-style: chr3-142188390-T-C.
Other names: c.6149A>G, p.Gln2050Arg (NM_001354579.2); short protein forms Q2050R, Q2114R.
Identifiers: ClinVar variation 1450081 (VCV001450081.12), dbSNP rs2071208734, ClinGen allele CA354805346.

ClinVar aggregate classification (germline): Uncertain significance. Review status: criteria provided, multiple submitters, no conflicts (2 of 4 stars). 5 submissions from 4 submitters: Uncertain significance (5). Last evaluated 2024-05-14.

Conditions:
Inborn genetic diseases. Identifiers: MedGen C0950123, MeSH D030342.
Familial cutaneous telangiectasia and oropharyngeal predisposition cancer syndrome. Identifiers: Orphanet 313846, MedGen C3281203, MONDO:0013806, OMIM 614564.
Seckel syndrome 1 (SCKL1). Also called: MICROCEPHALIC PRIMORDIAL DWARFISM I. Identifiers: Orphanet 808, MedGen C4551474, MONDO:0008869, OMIM 210600.

Allele frequency attached by ClinVar (database versions not stated): gnomAD 0.00001; TOPMed 0.00001; gnomAD exomes 0.00002.
gnomAD v4.1: 37 of 1,613,676 alleles (0.0023%); highest among the groups gnomAD compares: Non-Finnish European, 0.0031%; no homozygotes.

Submissions (5):

Ambry Genetics
Classification: Uncertain significance for Inborn genetic diseases. Last evaluated: 2024-05-14. Review status: criteria provided, single submitter. Criteria: Ambry Variant Classification Scheme 2023. Collection method: clinical testing. Allele origin: germline.

Labcorp Genetics (formerly Invitae), Labcorp
Classification: Uncertain significance. Last evaluated: 2024-03-09. Review status: criteria provided, single submitter. Criteria: Invitae Variant Classification Sherloc (09022015). Collection method: clinical testing. Allele origin: germline.
Comment: This sequence change replaces glutamine, which is neutral and polar, with arginine, which is basic and polar, at codon 2114 of the ATR protein (p.Gln2114Arg). This variant is not present in population databases (gnomAD no frequency). This variant has not been reported in the literature in individuals affected with ATR-related conditions. ClinVar contains an entry for this variant (Variation ID: 1450081). An algorithm developed to predict the effect of missense changes on protein structure and function (PolyPhen-2) suggests that this variant is likely to be disruptive. In summary, the available evidence is currently insufficient to determine the role of this variant in disease. Therefore, it has been classified as a Variant of Uncertain Significance.

Blueprint Genetics
Classification: Uncertain significance. Last evaluated: 2024-02-07. Review status: criteria provided, single submitter. Criteria: ACMG Guidelines, 2015. Collection method: clinical testing. Allele origin: germline.

Genome-Nilou Lab
Classification: Uncertain significance for Seckel syndrome 1. Last evaluated: 2023-02-08. Review status: criteria provided, single submitter. Criteria: ACMG Guidelines, 2015. Collection method: clinical testing. Allele origin: germline.

Genome-Nilou Lab
Classification: Uncertain significance for Familial cutaneous telangiectasia and oropharyngeal predisposition cancer syndrome. Last evaluated: 2023-02-08. Review status: criteria provided, single submitter. Criteria: ACMG Guidelines, 2015. Collection method: clinical testing. Allele origin: germline.